The following is an entry in ClinVar:

ClinVar aggregate classification (germline): Likely benign (1 of 4 stars; one submission).

Allele frequency attached by ClinVar (database versions not stated): 1000 Genomes Project 30x 0.00687; 1000 Genomes Project 0.00699; TOPMed 0.01430; gnomAD 0.01505 and 0.01556.
gnomAD v4.1: 2,282 of 152,190 alleles (1.5%); highest among the groups gnomAD compares: Non-Finnish European, 2.4%; 21 homozygotes.

Submission:

GeneDx
Classification: Likely benign. Last evaluated: 2018-06-14. Review status: criteria provided, single submitter. Criteria: GeneDx Variant Classification (06012015). Collection method: clinical testing. Allele origin: germline. Affected: yes.
Comment: This variant is considered likely benign or benign based on one or more of the following criteria: it is a conservative change, it occurs at a poorly conserved position in the protein, it is predicted to be benign by multiple in silico algorithms, and/or has population frequency not consistent with disease.

NM_000368.5(TSC1):c.737+283A>G

Gene: TSC1 (TSC complex subunit 1; minus strand). Cytogenetic location: 9q34.13.
Variant type: single nucleotide variant.
Coding change: c.737+283A>G on transcript NM_000368.5 (MANE Select); 283 bases into the intron after coding-DNA position 737, A replaced by G.
Molecular consequence: intron variant.
Genome position (GRCh38, 1-based): chr9:132,921,080, T>C on the plus strand (A>G on the coding strand, the complement: TSC1 is on the minus strand). VCF-style: chr9-132921080-T-C. GRCh37 (hg19) VCF-style: chr9-135796467-T-C.
Other names: c.374+283A>G (NM_001362177.2); c.584+283A>G (NM_001162427.2); c.737+283A>G (NM_001162426.2).
Identifiers: ClinVar variation 669821 (VCV000669821.1), dbSNP rs117521590, ClinGen allele CA200900832.